The following is an entry in ClinVar:

NM_001256789.3(CACNA1F):c.2776C>T (p.Arg926Cys)

Gene: CACNA1F (calcium voltage-gated channel subunit alpha1 F; minus strand). Cytogenetic location: Xp11.23.
Variant type: single nucleotide variant.
Coding change: c.2776C>T on transcript NM_001256789.3 (MANE Select); coding-DNA position 2776, C replaced by T.
Protein change: p.Arg926Cys; replaces arginine 926 with cysteine.
Molecular consequence: missense variant.
Genome position (GRCh38, 1-based): chrX:49,218,693, G>A on the plus strand (C>T on the coding strand, the complement: CACNA1F is on the minus strand). VCF-style: chrX-49218693-G-A. GRCh37 (hg19) VCF-style: chrX-49075152-G-A.
Other names: c.2614C>T, p.Arg872Cys (NM_001256790.3); c.2809C>T, p.Arg937Cys (NM_005183.4); short protein forms R937C, R872C, R926C.
Identifiers: ClinVar variation 287248 (VCV000287248.13), dbSNP rs886044865, ClinGen allele CA10605713.

ClinVar aggregate classification (germline): Uncertain significance. Review status: criteria provided, multiple submitters, no conflicts (2 of 4 stars). 4 submissions from 4 submitters: Uncertain significance (4). Last evaluated 2025-09-24.

Conditions:
Inborn genetic diseases. Identifiers: MedGen C0950123, MeSH D030342.

Allele frequency attached by ClinVar (database versions not stated): TOPMed below 0.00001.

Submissions (4):

Ambry Genetics
Classification: Uncertain significance for Inborn genetic diseases. Last evaluated: 2025-09-24. Review status: criteria provided, single submitter. Criteria: Ambry Variant Classification Scheme 2023. Collection method: clinical testing. Allele origin: germline.
Comment: The c.2809C>T (p.R937C) alteration is located in exon 23 (coding exon 23) of the CACNA1F gene. This alteration results from a C to T substitution at nucleotide position 2809, causing the arginine (R) at amino acid position 937 to be replaced by a cysteine (C). The Genome Aggregation Database (gnomAD) data for this variant is unreliable due to technical and/or biological issues; therefore, population frequency estimates were not considered. This amino acid position is highly conserved in available vertebrate species. This alteration is predicted to be deleterious by in silico analysis. Based on insufficient or conflicting evidence, the clinical significance of this alteration remains unclear.

Labcorp Genetics (formerly Invitae), Labcorp
Classification: Uncertain significance. Last evaluated: 2023-08-01. Review status: criteria provided, single submitter. Criteria: Invitae Variant Classification Sherloc (09022015). Collection method: clinical testing. Allele origin: germline.
Comment: This sequence change replaces arginine, which is basic and polar, with cysteine, which is neutral and slightly polar, at codon 937 of the CACNA1F protein (p.Arg937Cys). This variant is not present in population databases (gnomAD no frequency). This variant has not been reported in the literature in individuals affected with CACNA1F-related conditions. ClinVar contains an entry for this variant (Variation ID: 287248). Advanced modeling of protein sequence and biophysical properties (such as structural, functional, and spatial information, amino acid conservation, physicochemical variation, residue mobility, and thermodynamic stability) performed at Invitae indicates that this missense variant is expected to disrupt CACNA1F protein function. In summary, the available evidence is currently insufficient to determine the role of this variant in disease. Therefore, it has been classified as a Variant of Uncertain Significance.

Blueprint Genetics
Classification: Uncertain significance. Last evaluated: 2019-02-13. Review status: criteria provided, single submitter. Criteria: ACMG Guidelines, 2015. Collection method: clinical testing. Allele origin: germline.

Eurofins Ntd Llc (ga)
Classification: Uncertain significance. Last evaluated: 2016-03-29. Review status: criteria provided, single submitter. Criteria: EGL Classification Definitions 2015. Collection method: clinical testing. Allele origin: germline. Observed: 3 variant alleles, 3 hemizygotes.